The following is an entry in ClinVar:

ClinVar aggregate classification (germline): Uncertain significance (1 of 4 stars; one submission).

Conditions:
Neurofibromatosis, type 1 (NF1). Also called: VON RECKLINGHAUSEN DISEASE; Neurofibromatosis, type I; NEUROFIBROMATOSIS, TYPE I, SOMATIC; Peripheral type neurofibromatosis. Identifiers: Orphanet 636, MedGen C0027831, MONDO:0018975, OMIM 162200. Disease mechanism: loss of function.

gnomAD v4.1: 1 of 1,614,010 alleles (0.000062%); highest among the groups gnomAD compares: Non-Finnish European, 0.000085%; no homozygotes.

Submission:

Labcorp Genetics (formerly Invitae), Labcorp
Classification: Uncertain significance for Neurofibromatosis, type 1. Last evaluated: 2025-05-19. Review status: criteria provided, single submitter. Criteria: Invitae Variant Classification Sherloc (09022015). Collection method: clinical testing. Allele origin: germline.
Comment: This sequence change replaces threonine, which is neutral and polar, with asparagine, which is neutral and polar, at codon 1862 of the NF1 protein (p.Thr1862Asn). This variant is not present in population databases (gnomAD no frequency). This variant has not been reported in the literature in individuals affected with NF1-related conditions. Invitae Evidence Modeling of protein sequence and biophysical properties (such as structural, functional, and spatial information, amino acid conservation, physicochemical variation, residue mobility, and thermodynamic stability) indicates that this missense variant is expected to disrupt NF1 protein function with a positive predictive value of 95%. In summary, the available evidence is currently insufficient to determine the role of this variant in disease. Therefore, it has been classified as a Variant of Uncertain Significance.

NM_001042492.3(NF1):c.5648C>A (p.Thr1883Asn)

Gene: NF1 (neurofibromin 1; plus strand). Cytogenetic location: 17q11.2.
Variant type: single nucleotide variant.
Coding change: c.5648C>A on transcript NM_001042492.3 (MANE Select); coding-DNA position 5648, C replaced by A.
Protein change: p.Thr1883Asn; replaces threonine 1883 with asparagine.
Molecular consequence: missense variant.
Genome position (GRCh38, 1-based): chr17:31,330,334, C>A. VCF-style: chr17-31330334-C-A. GRCh37 (hg19) VCF-style: chr17-29657352-C-A.
Other names: c.5585C>A, p.Thr1862Asn (NM_000267.4); short protein forms T1862N, T1883N.
Identifiers: ClinVar variation 4800783 (VCV004800783.1).
Genomic context (GRCh38, chr17:31,330,334, plus strand): 5'-CTTCATTTGTGTTTTCTCCTAGGTCAGCTGCCTATAATCTTCTGTGTGCCTTAACTTGTA[C>A]CTTTAATTTAAAAATCGAGGGCCAGTTACTAGAGACATCAGGTTTATGTATCCCTGCCAA-3'
Protein context (NP_001035957.1, residues 1873-1893): AYNLLCALTC[Thr1883Asn]FNLKIEGQLL